The following is an entry in ClinVar:

NM_019032.6(ADAMTSL4):c.950G>A (p.Trp317Ter)

Genes: ADAMTSL4 (ADAMTS like 4; plus strand), ADAMTSL4-AS2 (ADAMTSL4 antisense RNA 2; minus strand). Cytogenetic location: 1q21.2.
Variant type: single nucleotide variant.
Coding change: c.950G>A on transcript NM_019032.6 (MANE Select); coding-DNA position 950, G replaced by A.
Protein change: p.Trp317Ter; replaces tryptophan 317 with a stop codon.
Molecular consequence: nonsense.
Genome position (GRCh38, 1-based): chr1:150,553,941, G>A. VCF-style: chr1-150553941-G-A. GRCh37 (hg19) VCF-style: chr1-150526417-G-A.
Other names: c.950G>A, p.Trp317Ter (NM_001288607.2, NM_001288608.2, NM_001378596.1 and 1 more transcripts); short protein forms W317*.
Identifiers: ClinVar variation 1685502 (VCV001685502.4), dbSNP rs2101584216, ClinGen allele CA342302918.
Genomic context (GRCh38, chr1:150,553,941, plus strand): 5'-GACGCCCTGATCCTTTTCCTTCGGTCCCTCGGGGCCGAGGCCAGCAGGGCCAAGGGCCTT[G>A]GGGAACGGGGGGGACTCCTCACGGGCCCCGCCTGGAGCCTGACCCTCAGCACCCGGGCGC-3'

ClinVar aggregate classification (germline): Pathogenic. Review status: criteria provided, multiple submitters, no conflicts (2 of 4 stars). 2 submissions from 2 submitters: Pathogenic (2). Last evaluated 2023-11-03.

Conditions:
Ectopia lentis 2, isolated, autosomal recessive (ECTOL2). Identifiers: Orphanet 1885, MedGen C3541474, MONDO:0009152, OMIM 225100.

Allele frequency attached by ClinVar (database versions not stated): gnomAD exomes below 0.00001.
gnomAD v4.1: 1 of 1,609,866 alleles (0.000062%); highest among the groups gnomAD compares: Admixed American, 0.0017%; no homozygotes.

Submissions (2):

Labcorp Genetics (formerly Invitae), Labcorp
Classification: Pathogenic. Last evaluated: 2023-11-03. Review status: criteria provided, single submitter. Criteria: Invitae Variant Classification Sherloc (09022015). Collection method: clinical testing. Allele origin: germline.
Comment: This sequence change creates a premature translational stop signal (p.Trp317*) in the ADAMTSL4 gene. It is expected to result in an absent or disrupted protein product. Loss-of-function variants in ADAMTSL4 are known to be pathogenic (PMID: 20564469, 28642162). This variant is not present in population databases (gnomAD no frequency). This variant has not been reported in the literature in individuals affected with ADAMTSL4-related conditions. ClinVar contains an entry for this variant (Variation ID: 1685502). For these reasons, this variant has been classified as Pathogenic.

Mendelics
Classification: Pathogenic for Ectopia lentis 2, isolated, autosomal recessive. Last evaluated: 2022-05-04. Review status: criteria provided, single submitter. Criteria: Mendelics Assertion Criteria 2019. Collection method: clinical testing. Allele origin: germline.

Literature cited by the submitters: PubMed 20564469 (cited by Labcorp Genetics (formerly Invitae), Labcorp); PubMed 28642162 (cited by Labcorp Genetics (formerly Invitae), Labcorp).